The following is an entry in ClinVar:

NM_001863.5(COX6B1):c.126G>A (p.Lys42=)

Gene: COX6B1 (cytochrome c oxidase subunit 6B1; plus strand). Cytogenetic location: 19q13.12.
Variant type: single nucleotide variant.
Coding change: c.126G>A on transcript NM_001863.5 (MANE Select); coding-DNA position 126, G replaced by A.
Protein change: p.Lys42=; no amino-acid change (lysine 42 retained).
Molecular consequence: synonymous variant.
Genome position (GRCh38, 1-based): chr19:35,654,590, G>A. VCF-style: chr19-35654590-G-A. GRCh37 (hg19) VCF-style: chr19-36145492-G-A.
Other names: c.126G>A (NM_001863.4).
Identifiers: ClinVar variation 2892055 (VCV002892055.4), dbSNP rs202098389, ClinGen allele CA9383149.

ClinVar aggregate classification (germline): Conflicting classifications of pathogenicity. Review status: criteria provided, conflicting classifications (1 of 4 stars). 2 submissions from 2 submitters: Uncertain significance (1); Likely benign (1). Last evaluated 2024-04-29.

Allele frequency attached by ClinVar (database versions not stated): ExAC 0.00002; ESP Exome Variant Server 0.00008; gnomAD 0.00010; TOPMed 0.00011; 1000 Genomes Project 30x 0.00016; 1000 Genomes Project 0.00020.
gnomAD v4.1: 32 of 1,614,142 alleles (0.002%); highest among the groups gnomAD compares: African/African-American, 0.037%; no homozygotes.

Submissions (2):

GeneDx
Classification: Uncertain significance. Last evaluated: 2024-04-29. Review status: criteria provided, single submitter. Criteria: GeneDx Variant Classification Process June 2021. Collection method: clinical testing. Allele origin: germline. Affected: yes.
Comment: In silico analysis indicates that this variant does not alter splicing; Has not been previously published as pathogenic or benign to our knowledge

Labcorp Genetics (formerly Invitae), Labcorp
Classification: Likely benign. Last evaluated: 2023-10-22. Review status: criteria provided, single submitter. Criteria: Invitae Variant Classification Sherloc (09022015). Collection method: clinical testing. Allele origin: germline.